The following is an entry in ClinVar:

NM_018418.5(SPATA7):c.1160+5G>T

Gene: SPATA7 (spermatogenesis associated 7; plus strand). Cytogenetic location: 14q31.3.
Variant type: single nucleotide variant.
Coding change: c.1160+5G>T on transcript NM_018418.5 (MANE Select); 5 bases into the intron after coding-DNA position 1160, G replaced by T.
Molecular consequence: intron variant.
Genome position (GRCh38, 1-based): chr14:88,433,217, G>T. VCF-style: chr14-88433217-G-T. GRCh37 (hg19) VCF-style: chr14-88899561-G-T.
Other names: c.1064+5G>T (NM_001040428.4).
Identifiers: ClinVar variation 2932379 (VCV002932379.3), dbSNP rs2504271844, ClinGen allele CA2575596118.
Genomic context (GRCh38, chr14:88,433,217, plus strand): 5'-AGTTTCATTGAAGATGTAACAGATGAAATTTTGAAACTTGGTTTATTTTCAAACAGGTTA[G>T]TTTTTTTAATGGTGTTATGTTAATTCAGGAGTACATTAAATATTCTTCATATTTCTTCAT-3'

ClinVar aggregate classification (germline): Uncertain significance (1 of 4 stars; one submission).

Conditions:
Leber congenital amaurosis 3 (LCA3). Also called: SPATA7-Related Retinitis Pigmentosa. Identifiers: MedGen C1858677, MONDO:0011415, OMIM 604232.

Submission:

Labcorp Genetics (formerly Invitae), Labcorp
Classification: Uncertain significance for Leber congenital amaurosis 3. Last evaluated: 2023-08-08. Review status: criteria provided, single submitter. Criteria: Invitae Variant Classification Sherloc (09022015). Collection method: clinical testing. Allele origin: germline.
Comment: Variants that disrupt the consensus splice site are a relatively common cause of aberrant splicing (PMID: 17576681, 9536098). Algorithms developed to predict the effect of sequence changes on RNA splicing suggest that this variant may disrupt the consensus splice site. This variant has been observed in individual(s) with clinical features of SPATA7-related conditions (Invitae). In at least one individual the data is consistent with being in trans (on the opposite chromosome) from a pathogenic variant. This variant is not present in population databases (gnomAD no frequency). This sequence change falls in intron 10 of the SPATA7 gene. It does not directly change the encoded amino acid sequence of the SPATA7 protein. It affects a nucleotide within the consensus splice site. In summary, the available evidence is currently insufficient to determine the role of this variant in disease. Therefore, it has been classified as a Variant of Uncertain Significance.

Literature cited by the submitters: PubMed 17576681; PubMed 9536098.